The following is an entry in ClinVar:

NM_003640.5(ELP1):c.1686C>A (p.Cys562Ter)

Gene: ELP1 (elongator acetyltransferase complex subunit 1; minus strand). Cytogenetic location: 9q31.3.
Variant type: single nucleotide variant.
Coding change: c.1686C>A on transcript NM_003640.5 (MANE Select); coding-DNA position 1686, C replaced by A.
Protein change: p.Cys562Ter; replaces cysteine 562 with a stop codon.
Molecular consequence: nonsense.
Genome position (GRCh38, 1-based): chr9:108,903,627, G>T on the plus strand (C>A on the coding strand, the complement: ELP1 is on the minus strand). VCF-style: chr9-108903627-G-T. GRCh37 (hg19) VCF-style: chr9-111665907-G-T.
Other names: c.639C>A, p.Cys213Ter (NM_001330749.2); c.1344C>A, p.Cys448Ter (NM_001318360.2); short protein forms C213*, C448*, C562*.
Identifiers: ClinVar variation 4815177 (VCV004815177.1).

ClinVar aggregate classification (germline): Likely pathogenic (1 of 4 stars; one submission).

Conditions:
Familial dysautonomia. Also called: HSAN III; FD. Identifiers: Orphanet 1764, MedGen C0013364, MONDO:0009131, OMIM 223900. Disease mechanism: loss of function.

Submission:

Natera, Inc.
Classification: Likely pathogenic for Familial dysautonomia. Last evaluated: 2026-01-08. Review status: criteria provided, single submitter. Criteria: Natera Variant Classification Schema (03/2026). Collection method: clinical testing. Allele origin: germline.
Comment: The c.1686C>A variant in ELP1 is a nonsense variant predicted to introduce a stop codon at amino acid 562. This variant is expected to result in nonsense mediated decay, truncation, or a dysfunctional protein product. This variant is rare in the general population with a frequency below the threshold expected for the associated phenotype(s). Given the available evidence, this variant is classified as Likely Pathogenic.